The following is an entry in ClinVar:

NM_000090.4(COL3A1):c.3824-13T>G

Gene: COL3A1 (collagen type III alpha 1 chain; plus strand). Cytogenetic location: 2q32.2.
Variant type: single nucleotide variant.
Coding change: c.3824-13T>G on transcript NM_000090.4 (MANE Select); 13 bases into the intron before coding-DNA position 3824, T replaced by G.
Molecular consequence: intron variant.
Genome position (GRCh38, 1-based): chr2:189,010,165, T>G. VCF-style: chr2-189010165-T-G. GRCh37 (hg19) VCF-style: chr2-189874891-T-G.
Identifiers: ClinVar variation 924515 (VCV000924515.3), dbSNP rs1000595244, ClinGen allele CA1139657542.

ClinVar aggregate classification (germline): Uncertain significance (1 of 4 stars; one submission).

Conditions:
Familial thoracic aortic aneurysm and aortic dissection (TAAD). Also called: Thoracic aortic aneurysms and dissections. Identifiers: Orphanet 91387, MedGen C4707243, MONDO:0019625.

gnomAD v4.1: 2 of 1,613,726 alleles (0.00012%); highest among the groups gnomAD compares: Non-Finnish European, 0.00017%; no homozygotes.

Submission:

Color Diagnostics, LLC DBA Color Health
Classification: Uncertain significance for Familial thoracic aortic aneurysm and aortic dissection. Last evaluated: 2019-07-02. Review status: criteria provided, single submitter. Criteria: ACMG Guidelines, 2015. Collection method: clinical testing. Allele origin: germline.
Comment: This variant is located in the intron 48 splice acceptor region of the COL3A1 gene. Computational splicing tools and conservation analyses are inconclusive regarding the impact of this variant on RNA splicing. To our knowledge, functional assays have not been performed for this variant nor has this variant been reported in individuals affected with cardiovascular disorders in the literature. This variant has not been identified in the general population by the Genome Aggregation Database (gnomAD). Available evidence is insufficient to determine the role of this variant in disease conclusively. Therefore, this variant is classified as a Variant of Uncertain Significance.